The following is an entry in ClinVar:

ClinVar aggregate classification (germline): Conflicting classifications of pathogenicity. Review status: criteria provided, conflicting classifications (1 of 4 stars). 2 submissions from 2 submitters: Likely pathogenic (1); Uncertain significance (1). Last evaluated 2026-04-01.

Conditions:
STRC-related disorder. Also called: STRC-related condition.

Submissions (2):

PreventionGenetics, part of Exact Sciences
Classification: Likely pathogenic for STRC-related condition. Last evaluated: 2026-04-01. Review status: criteria provided, single submitter. Criteria: ACMG Guidelines, 2015. Collection method: clinical testing. Allele origin: germline.
Comment: The STRC c.2914C>T variant is predicted to result in the amino acid substitution p.Arg972Trp. This variant has been reported in a patient with hearing loss, although pathogenicity was not established (Table S2, Miyagawa et al 2013. PubMed ID: 23967202). This variant was also reported in a non-syndromic hearing loss cohort, although information about presence or absence of a second STRC variant was not provided (Table S2, Mandelker et al. 2014. PubMed ID: 25157971). Furthermore, this variant was reported in the compound heterozygous state with an STRC gene deletion in at least two individuals with hearing loss (Table 1, Kim et al. 2020. PubMed ID: 32203226; Table 1, Moteki et al. 2025. PubMed ID: 41430084). At PreventionGenetics, this variant was observed in the compound heterozygous state with a whole gene STRC deletion in three individuals with hearing loss (internal data). An alternative variant at the same codon (p.Arg972Gln) has been reported in the compound heterozygous state with an STRC gene deletion in an individual with hearing loss (Table 1, Moteki et al. 2025. PubMed ID: 41430084). The p.Arg972Trp variant has not been reported in a large population database, indicating this variant is rare. This variant is interpreted as likely pathogenic.

Laboratory for Molecular Medicine, Mass General Brigham Personalized Medicine
Classification: Uncertain significance. Last evaluated: 2022-08-26. Review status: criteria provided, single submitter. Criteria: ACMG Guidelines, 2015. Collection method: clinical testing. Allele origin: germline.
Comment: The p.Arg972Trp variant in STRC has been reported in one individual with hearing loss (Miyagawa 2014). This individual was not tested for copy number variants and therefore it is not known if they also had a deletion of STRC (the most common type of pathogenic variant for this gene), and a second variant was not reported. Data from large population studies is insufficient to assess the frequency of this variant. Computational prediction tools and conservation analysis suggest that the variant may impact the protein; however this information is not sufficient to determine pathogenicity. In summary, the clinical significance of the p.Arg972Trp variant is uncertain.

Literature cited by the submitters: PubMed 23967202 (cited by Laboratory for Molecular Medicine, Mass General Brigham Personalized Medicine).

NM_153700.2(STRC):c.2914C>T (p.Arg972Trp)

Gene: STRC (stereocilin; minus strand). Cytogenetic location: 15q15.3.
Variant type: single nucleotide variant.
Coding change: c.2914C>T on transcript NM_153700.2 (MANE Select); coding-DNA position 2914, C replaced by T.
Protein change: p.Arg972Trp; replaces arginine 972 with tryptophan.
Molecular consequence: missense variant.
Genome position (GRCh38, 1-based): chr15:43,612,379, G>A on the plus strand (C>T on the coding strand, the complement: STRC is on the minus strand). VCF-style: chr15-43612379-G-A. GRCh37 (hg19) VCF-style: chr15-43904577-G-A.
Other names: short protein forms R972W.
Identifiers: ClinVar variation 229277 (VCV000229277.7), dbSNP rs876658008, ClinGen allele CA10576980.
Genomic context (GRCh38, chr15:43,612,379, plus strand): 5'-CATCCACACAGACCCAGGGGAAGCCTAAAGTCTTGTAGGCTTGTGCTGAGGGGCTCACCC[G>A]TCCTTCTGGGCTGAGGGTCCCATTGGCTGCACATTCCAGCAGCCCCCGTTCTACTGGCCC-3'
Protein context (NP_714544.1, residues 962-982): AANGTLSPEG[Arg972Trp]VAYELLGVLR